The following is an entry in ClinVar:

ClinVar aggregate classification (germline): Likely benign. Review status: criteria provided, multiple submitters, no conflicts (2 of 4 stars). 3 submissions from 3 submitters: Likely benign (2). 1 of the submissions does not count toward it. Last evaluated 2026-01-12.

Conditions:
ADAMTS9-related disorder. Also called: ADAMTS9-related condition.

Allele frequency attached by ClinVar (database versions not stated): ExAC 0.00058; ESP Exome Variant Server 0.00069; 1000 Genomes Project 30x 0.00078; 1000 Genomes Project 0.00080; TOPMed 0.00099; gnomAD exomes 0.00104; gnomAD 0.00106.
gnomAD v4.1: 1,674 of 1,613,944 alleles (0.1%); highest among the groups gnomAD compares: Admixed American, 0.15%; 2 homozygotes.

Submissions (3):

Labcorp Genetics (formerly Invitae), Labcorp
Classification: Likely benign. Last evaluated: 2026-01-12. Review status: criteria provided, single submitter. Criteria: Invitae Variant Classification Sherloc (09022015). Collection method: clinical testing. Allele origin: germline.

CeGaT Center for Human Genetics Tuebingen
Classification: Likely benign. Last evaluated: 2024-02-01. Review status: criteria provided, single submitter. Criteria: CeGaT Center For Human Genetics Tuebingen Variant Classification Criteria Version 2. Collection method: clinical testing. Allele origin: germline. Affected: yes. Observed: 3 variant alleles.
Comment: ADAMTS9: BP4

PreventionGenetics, part of Exact Sciences
Classification: Likely benign for ADAMTS9-related condition. Last evaluated: 2019-06-07. Review status: no assertion criteria provided. Collection method: clinical testing. Allele origin: germline. Not counted in ClinVar's aggregate classification.
Comment: This variant is classified as likely benign based on ACMG/AMP sequence variant interpretation guidelines (Richards et al. 2015 PMID: 25741868, with internal and published modifications).

NM_182920.2(ADAMTS9):c.846C>T (p.His282=)

Gene: ADAMTS9 (ADAM metallopeptidase with thrombospondin type 1 motif 9; minus strand). Cytogenetic location: 3p14.1.
Variant type: single nucleotide variant.
Coding change: c.846C>T on transcript NM_182920.2 (MANE Select); coding-DNA position 846, C replaced by T.
Protein change: p.His282=; no amino-acid change (histidine 282 retained).
Molecular consequence: synonymous variant.
Genome position (GRCh38, 1-based): chr3:64,658,625, G>A on the plus strand (C>T on the coding strand, the complement: ADAMTS9 is on the minus strand). VCF-style: chr3-64658625-G-A. GRCh37 (hg19) VCF-style: chr3-64644301-G-A.
Other names: c.846C>T, p.His282= (NM_001318781.2); c.846C>T (NM_182920.1).
Identifiers: ClinVar variation 2055165 (VCV002055165.29), dbSNP rs141990710, ClinGen allele CA2481759.